The following is an entry in ClinVar:

NM_004519.4(KCNQ3):c.*7095T>G

Gene: KCNQ3 (potassium voltage-gated channel subfamily Q member 3; minus strand). Cytogenetic location: 8q24.22.
Variant type: single nucleotide variant.
Coding change: c.*7095T>G on transcript NM_004519.4 (MANE Select); 7095 bases downstream of the stop codon, T replaced by G.
Molecular consequence: 3 prime UTR variant.
Genome position (GRCh38, 1-based): chr8:132,122,167, A>C on the plus strand (T>G on the coding strand, the complement: KCNQ3 is on the minus strand). VCF-style: chr8-132122167-A-C. GRCh37 (hg19) VCF-style: chr8-133134414-A-C.
Other names: c.*7095T>G (NM_001204824.2).
Identifiers: ClinVar variation 361762 (VCV000361762.6), dbSNP rs1437823, ClinGen allele CA10630172.
Genomic context (GRCh38, chr8:132,122,167, plus strand): 5'-GAGAGAATGAGCTTTCCAGGTACACGGGCTTTGGTTGAATATGCAGCTCTACTTCTTACA[A>C]TGTGTGACCTTTGACAAGGTCTTGTCTTCAGTTTCCTCATCTATAAGATGGAGACAATAA-3'

ClinVar aggregate classification (germline): Benign (1 of 4 stars; one submission).

Conditions:
Seizures, benign familial neonatal, 2. Also called: CONVULSIONS, BENIGN FAMILIAL NEONATAL, 2; KCNQ3-Related Self-Limited Familial Neonatal Epilepsy (SLFNE); Benign Neonatal Epilepsy 2; KCNQ3-Related Benign Familial Neonatal Epilepsy; Seizures, benign neonatal, 2. Identifiers: Orphanet 1949, MedGen C1852581, MONDO:0007366, OMIM 121201.

Allele frequency attached by ClinVar (database versions not stated): 1000 Genomes Project 0.02556; TOPMed 0.02638; 1000 Genomes Project 30x 0.02811; gnomAD 0.02351 and 0.02520.

Submission:

Illumina Laboratory Services, Illumina
Classification: Benign for Seizures, benign familial neonatal, 2. Last evaluated: 2018-01-12. Review status: criteria provided, single submitter. Criteria: ICSL Variant Classification Criteria 13 December 2019. Collection method: clinical testing. Allele origin: germline.
Comment: This variant was observed in the ICSL laboratory as part of a predisposition screen in an ostensibly healthy population. It had not been previously curated by ICSL or reported in the Human Gene Mutation Database (HGMD: prior to June 1st, 2018), and was therefore a candidate for classification through an automated scoring system. Utilizing variant allele frequency, disease prevalence and penetrance estimates, and inheritance mode, an automated score was calculated to assess if this variant is too frequent to cause the disease. Based on the score and internal cut-off values, a variant classified as benign is not then subjected to further curation. The score for this variant resulted in a classification of benign for this disease.